The following is an entry in ClinVar:

NM_001099922.3(ALG13):c.22G>C (p.Val8Leu)

Gene: ALG13 (ALG13 UDP-N-acetylglucosaminyltransferase subunit; plus strand). Cytogenetic location: Xq23.
Variant type: single nucleotide variant.
Coding change: c.22G>C on transcript NM_001099922.3 (MANE Select); coding-DNA position 22, G replaced by C.
Protein change: p.Val8Leu; replaces valine 8 with leucine.
Molecular consequence: missense variant. On other transcripts: 5 prime UTR variant (9), non-coding transcript variant (3).
Genome position (GRCh38, 1-based): chrX:111,681,240, G>C. VCF-style: chrX-111681240-G-C. GRCh37 (hg19) VCF-style: chrX-110924468-G-C.
Other names: c.22G>C, p.Val8Leu (NM_001039210.5, NM_001168385.3, NM_001324290.2 and 2 more transcripts); c.-187G>C (NM_001257230.2, NM_001324291.2); c.-279G>C (NM_001257231.2, NM_001257241.3); c.-312G>C (NM_001257234.2, NM_001257235.3); c.-416G>C (NM_001257237.2, NM_001257240.3, NM_001324293.1); short protein forms V8L.
Identifiers: ClinVar variation 1053098 (VCV001053098.9), dbSNP rs2147592883, ClinGen allele CA414247987.
Genomic context (GRCh38, chrX:111,681,240, plus strand): 5'-TATCCGGCCCTTGCGATCAGGGCTTGAGGAACCCGCGCCATGAAGTGCGTGTTTGTTACC[G>C]TAGGGACCACCAGCTTTGACGACCTCATTGCGTGTGTGTCGGCGCCCGACAGTCTGCAAG-3'
Protein context (NP_001093392.1, residues 1-18): MKCVFVT[Val8Leu]GTTSFDDLIA

ClinVar aggregate classification (germline): Uncertain significance (1 of 4 stars; one submission).

Conditions:
Developmental and epileptic encephalopathy, 36 (DEE36). Also called: Epileptic encephalopathy, early infantile, 36; ALG13-CDG; Congenital disorder of glycosylation, type Is. Identifiers: Orphanet 324422, MedGen C4317295, MONDO:0010472, OMIM 300884.

Submission:

Labcorp Genetics (formerly Invitae), Labcorp
Classification: Uncertain significance for Developmental and epileptic encephalopathy, 36. Last evaluated: 2020-07-09. Review status: criteria provided, single submitter. Criteria: Invitae Variant Classification Sherloc (09022015). Collection method: clinical testing. Allele origin: germline.
Comment: In summary, the available evidence is currently insufficient to determine the role of this variant in disease. Therefore, it has been classified as a Variant of Uncertain Significance. Algorithms developed to predict the effect of missense changes on protein structure and function are either unavailable or do not agree on the potential impact of this missense change (SIFT: "Deleterious"; PolyPhen-2: "Probably Damaging"; Align-GVGD: "Class C0"). This variant has not been reported in the literature in individuals with ALG13-related conditions. This variant is not present in population databases (ExAC no frequency). This sequence change replaces valine with leucine at codon 8 of the ALG13 protein (p.Val8Leu). The valine residue is weakly conserved and there is a small physicochemical difference between valine and leucine.